The following is an entry in ClinVar:

NM_005220.3(DLX3):c.599A>G (p.Asn200Ser)

Gene: DLX3 (distal-less homeobox 3; minus strand). Cytogenetic location: 17q21.33.
Variant type: single nucleotide variant.
Coding change: c.599A>G on transcript NM_005220.3 (MANE Select); coding-DNA position 599, A replaced by G.
Protein change: p.Asn200Ser; replaces asparagine 200 with serine.
Molecular consequence: missense variant.
Genome position (GRCh38, 1-based): chr17:49,991,782, T>C on the plus strand (A>G on the coding strand, the complement: DLX3 is on the minus strand). VCF-style: chr17-49991782-T-C. GRCh37 (hg19) VCF-style: chr17-48069146-T-C.
Other names: short protein forms N200S.
Identifiers: ClinVar variation 2407329 (VCV002407329.6), dbSNP rs200085639, ClinGen allele CA8640983.

ClinVar aggregate classification (germline): Uncertain significance. Review status: criteria provided, multiple submitters, no conflicts (2 of 4 stars). 2 submissions from 2 submitters: Uncertain significance (2). Last evaluated 2025-12-20.

Conditions:
Inborn genetic diseases. Identifiers: MedGen C0950123, MeSH D030342.

Allele frequency attached by ClinVar (database versions not stated): ExAC 0.00002; gnomAD 0.00003; 1000 Genomes Project 0.00020; TOPMed 0.00002; gnomAD exomes 0.00005; 1000 Genomes Project 30x 0.00016.
gnomAD v4.1: 78 of 1,614,082 alleles (0.0048%); highest among the groups gnomAD compares: Middle Eastern, 0.05%; no homozygotes.

Submissions (2):

Labcorp Genetics (formerly Invitae), Labcorp
Classification: Uncertain significance. Last evaluated: 2025-12-20. Review status: criteria provided, single submitter. Criteria: Invitae Variant Classification Sherloc (09022015). Collection method: clinical testing. Allele origin: germline.
Comment: This sequence change replaces asparagine, which is neutral and polar, with serine, which is neutral and polar, at codon 200 of the DLX3 protein (p.Asn200Ser). This variant is present in population databases (rs200085639, gnomAD 0.008%). This variant has not been reported in the literature in individuals affected with DLX3-related conditions. ClinVar contains an entry for this variant (Variation ID: 2407329). Invitae Evidence Modeling of protein sequence and biophysical properties (such as structural, functional, and spatial information, amino acid conservation, physicochemical variation, residue mobility, and thermodynamic stability) indicates that this missense variant is not expected to disrupt DLX3 protein function with a negative predictive value of 80%. In summary, the available evidence is currently insufficient to determine the role of this variant in disease. Therefore, it has been classified as a Variant of Uncertain Significance.

Ambry Genetics
Classification: Uncertain significance for Inborn genetic diseases. Last evaluated: 2025-11-05. Review status: criteria provided, single submitter. Criteria: Ambry Variant Classification Scheme 2023. Collection method: clinical testing. Allele origin: germline.
Comment: The c.599A>G (p.N200S) alteration is located in exon 3 (coding exon 3) of the DLX3 gene. This alteration results from a A to G substitution at nucleotide position 599, causing the asparagine (N) at amino acid position 200 to be replaced by a serine (S). Based on data from gnomAD, the G allele has an overall frequency of 0.003% (7/282216) total alleles studied. The highest observed frequency was 0.008% (2/24932) of African alleles. Based on insufficient or conflicting evidence, the clinical significance of this alteration remains unclear.